The following is an entry in ClinVar:

ClinVar aggregate classification (germline): Likely benign (1 of 4 stars; one submission).

gnomAD v4.1: 1 of 1,614,166 alleles (0.000062%); highest among the groups gnomAD compares: Non-Finnish European, 0.000085%; no homozygotes.

Submission:

CeGaT Center for Human Genetics Tuebingen
Classification: Likely benign. Last evaluated: 2025-10-01. Review status: criteria provided, single submitter. Criteria: CeGaT Center For Human Genetics Tuebingen Variant Classification Criteria Version 2. Collection method: clinical testing. Allele origin: germline. Affected: yes. Observed: 1 variant allele.
Comment: RAF1: BP4, BP7

NM_002880.4(RAF1):c.1758T>C (p.Ala586=)

Gene: RAF1 (Raf-1 proto-oncogene, serine/threonine kinase; minus strand). Cytogenetic location: 3p25.2.
Variant type: single nucleotide variant.
Coding change: c.1758T>C on transcript NM_002880.4 (MANE Select); coding-DNA position 1758, T replaced by C.
Protein change: p.Ala586=; no amino-acid change (alanine 586 retained).
Molecular consequence: synonymous variant. On other transcripts: non-coding transcript variant (3).
Genome position (GRCh38, 1-based): chr3:12,584,892, A>G on the plus strand (T>C on the coding strand, the complement: RAF1 is on the minus strand). VCF-style: chr3-12584892-A-G. GRCh37 (hg19) VCF-style: chr3-12626391-A-G.
Other names: c.1818T>C, p.Ala606= (NM_001354689.3); c.1758T>C, p.Ala586= (NM_001354690.3); c.1515T>C, p.Ala505= (NM_001354691.3, NM_001354692.3); c.1659T>C, p.Ala553= (NM_001354693.3); c.1575T>C, p.Ala525= (NM_001354694.3); c.1416T>C, p.Ala472= (NM_001354695.3).
Identifiers: ClinVar variation 4535262 (VCV004535262.6).